The following is an entry in ClinVar:

NM_001849.4(COL6A2):c.409G>A (p.Ala137Thr)

Gene: COL6A2 (collagen type VI alpha 2 chain; plus strand). Cytogenetic location: 21q22.3.
Variant type: single nucleotide variant.
Coding change: c.409G>A on transcript NM_001849.4 (MANE Select); coding-DNA position 409, G replaced by A.
Protein change: p.Ala137Thr; replaces alanine 137 with threonine.
Molecular consequence: missense variant.
Genome position (GRCh38, 1-based): chr21:46,112,272, G>A. VCF-style: chr21-46112272-G-A. GRCh37 (hg19) VCF-style: chr21-47532186-G-A.
Other names: c.409G>A, p.Ala137Thr (NM_058174.3, NM_058175.3); short protein forms A137T.
Identifiers: ClinVar variation 1356006 (VCV001356006.9), dbSNP rs982087527, ClinGen allele CA321957233.
Genomic context (GRCh38, chr21:46,112,272, plus strand): 5'-TCCTTCATCAAGAACCTGCAGGGCATCAGCTCCTTCCGCCGCGGCACCTTCACCGACTGC[G>A]CGCTGGCCAACATGACGGAGCAGATCCGGCAGGACCGCAGCAAGGGCACCGTCCACTTCG-3'
Protein context (NP_001840.3, residues 127-147): SFRRGTFTDC[Ala137Thr]LANMTEQIRQ

ClinVar aggregate classification (germline): Uncertain significance. Review status: criteria provided, multiple submitters, no conflicts (2 of 4 stars). 3 submissions from 3 submitters: Uncertain significance (3). Last evaluated 2025-12-17.

Conditions:
Bethlem myopathy 1A. Also called: MYOPATHY, BENIGN CONGENITAL, WITH CONTRACTURES; Bethlem Muscular Dystrophy; Bethlem myopathy 1. Identifiers: Orphanet 610, MedGen CN029274, MONDO:0024530, OMIM 158810.

Allele frequency attached by ClinVar (database versions not stated): gnomAD exomes below 0.00001 and 0.00003.
gnomAD v4.1: 37 of 1,612,694 alleles (0.0023%); highest among the groups gnomAD compares: Non-Finnish European, 0.0028%; no homozygotes.

Submissions (3):

Labcorp Genetics (formerly Invitae), Labcorp
Classification: Uncertain significance for Bethlem myopathy 1A. Last evaluated: 2025-12-17. Review status: criteria provided, single submitter. Criteria: Invitae Variant Classification Sherloc (09022015). Collection method: clinical testing. Allele origin: germline.
Comment: This sequence change replaces alanine, which is neutral and non-polar, with threonine, which is neutral and polar, at codon 137 of the COL6A2 protein (p.Ala137Thr). This variant is present in population databases (no rsID available, gnomAD 0.0009%). This variant has not been reported in the literature in individuals affected with COL6A2-related conditions. ClinVar contains an entry for this variant (Variation ID: 1356006). Invitae Evidence Modeling of protein sequence and biophysical properties (such as structural, functional, and spatial information, amino acid conservation, physicochemical variation, residue mobility, and thermodynamic stability) indicates that this missense variant is expected to disrupt COL6A2 protein function with a positive predictive value of 80%. In summary, the available evidence is currently insufficient to determine the role of this variant in disease. Therefore, it has been classified as a Variant of Uncertain Significance.

Revvity Omics, Revvity
Classification: Uncertain significance. Last evaluated: 2025-03-11. Review status: criteria provided, single submitter. Criteria: ACMG Guidelines, 2015. Collection method: clinical testing. Allele origin: germline.

Breakthrough Genomics
Classification: Uncertain significance. Review status: criteria provided, single submitter. Criteria: ACMG Guidelines, 2015. Collection method: not provided. Allele origin: germline. Inheritance: Autosomal dominant inheritance. Affected: yes.